The following is an entry in ClinVar:

NM_001369268.1(ACAN):c.1162A>G (p.Ile388Val)

Gene: ACAN (aggrecan; plus strand). Cytogenetic location: 15q26.1.
Variant type: single nucleotide variant.
Coding change: c.1162A>G on transcript NM_001369268.1 (MANE Select); coding-DNA position 1162, A replaced by G.
Protein change: p.Ile388Val; replaces isoleucine 388 with valine.
Molecular consequence: missense variant.
Genome position (GRCh38, 1-based): chr15:88,845,615, A>G. VCF-style: chr15-88845615-A-G. GRCh37 (hg19) VCF-style: chr15-89388846-A-G.
Other names: c.1162A>G, p.Ile388Val (NM_001135.4, NM_001411096.1, NM_001411097.1 and 1 more transcripts); short protein forms I388V.
Identifiers: ClinVar variation 2803730 (VCV002803730.3), dbSNP rs767026007, ClinGen allele CA7719480.

ClinVar aggregate classification (germline): Uncertain significance (1 of 4 stars; one submission).

Allele frequency attached by ClinVar (database versions not stated): TOPMed below 0.00001; ExAC 0.00001; gnomAD exomes 0.00001.
gnomAD v4.1: 7 of 1,614,046 alleles (0.00043%); highest among the groups gnomAD compares: Non-Finnish European, 0.00059%; no homozygotes.

Submission:

Labcorp Genetics (formerly Invitae), Labcorp
Classification: Uncertain significance. Last evaluated: 2023-05-22. Review status: criteria provided, single submitter. Criteria: Invitae Variant Classification Sherloc (09022015). Collection method: clinical testing. Allele origin: germline.
Comment: In summary, the available evidence is currently insufficient to determine the role of this variant in disease. Therefore, it has been classified as a Variant of Uncertain Significance. Advanced modeling of protein sequence and biophysical properties (such as structural, functional, and spatial information, amino acid conservation, physicochemical variation, residue mobility, and thermodynamic stability) performed at Invitae indicates that this missense variant is not expected to disrupt ACAN protein function. This variant has not been reported in the literature in individuals affected with ACAN-related conditions. This variant is present in population databases (rs767026007, gnomAD 0.003%). This sequence change replaces isoleucine, which is neutral and non-polar, with valine, which is neutral and non-polar, at codon 388 of the ACAN protein (p.Ile388Val).